The following is an entry in ClinVar:

ClinVar aggregate classification (germline): Benign. Review status: criteria provided, multiple submitters, no conflicts (2 of 4 stars). 4 submissions from 4 submitters: Benign (4). Last evaluated 2023-11-12.

Conditions:
Combined immunodeficiency due to DOCK8 deficiency (HIES2). Also called: Hyper-IgE recurrent infection syndrome, autosomal recessive; HYPER-IgE SYNDROME 2, AUTOSOMAL RECESSIVE, WITH RECURRENT INFECTIONS; HIES autosomal recessive; HYPER-IgE RECURRENT INFECTION SYNDROME 2, AUTOSOMAL RECESSIVE; DOCK8 Deficiency. Identifiers: Orphanet 217390, MedGen C4722305, MONDO:0009478, OMIM 243700.

Allele frequency attached by ClinVar (database versions not stated): TOPMed 0.36016; gnomAD 0.36072 and 0.37240; 1000 Genomes Project 30x 0.42926; 1000 Genomes Project 0.43990.
gnomAD v4.1: 633,925 of 1,518,578 alleles (42%); highest among the groups gnomAD compares: East Asian, 71%; 137,628 homozygotes.

Submissions (4):

Unidad de Genómica Garrahan, Hospital de Pediatría Garrahan
Classification: Benign. Last evaluated: 2023-11-12. Review status: criteria provided, single submitter. Criteria: ACMG Guidelines, 2015. Collection method: clinical testing. Allele origin: germline. Affected: no. Observed: 48 variant alleles.
Comment: This variant is classified as Benign based on local population frequency. This variant was detected in 50% of patients studied by a panel of primary immunodeficiencies. Number of patients: 48. Only high quality variants are reported.

Genome-Nilou Lab
Classification: Benign for Combined immunodeficiency due to DOCK8 deficiency. Last evaluated: 2021-07-14. Review status: criteria provided, single submitter. Criteria: ACMG Guidelines, 2015. Collection method: clinical testing. Allele origin: germline. Affected: no.

GeneDx
Classification: Benign. Last evaluated: 2018-06-26. Review status: criteria provided, single submitter. Criteria: GeneDx Variant Classification Process June 2021. Collection method: clinical testing. Allele origin: germline. Affected: yes.

Breakthrough Genomics
Classification: Benign. Review status: criteria provided, single submitter. Criteria: ACMG Guidelines, 2015. Collection method: not provided. Allele origin: germline. Inheritance: Autosomal recessive inheritance. Affected: yes.

NM_203447.4(DOCK8):c.895-65T>G

Gene: DOCK8 (dedicator of cytokinesis 8; plus strand). Cytogenetic location: 9p24.3.
Variant type: single nucleotide variant.
Coding change: c.895-65T>G on transcript NM_203447.4 (MANE Select); 65 bases into the intron before coding-DNA position 895, T replaced by G.
Molecular consequence: intron variant.
Genome position (GRCh38, 1-based): chr9:327,957, T>G. VCF-style: chr9-327957-T-G. GRCh37 (hg19) VCF-style: chr9-327957-T-G.
Other names: c.691-65T>G (NM_001193536.2, NM_001190458.2).
Identifiers: ClinVar variation 1185501 (VCV001185501.8), dbSNP rs2296826, ClinGen allele CA16352410.
Genomic context (GRCh38, chr9:327,957, plus strand): 5'-ATCTGTGATTATTACACTTACTCCTTCAGCAAAATTTCTCTGTGGTGTTTTTACTCCTTT[T>G]TAACATGTTTAAACCATGAATGCAACAGGTCTAACTTATATTTCACTTTGCTGCTCATTT-3'